The following is an entry in ClinVar:

ClinVar aggregate classification (germline): Uncertain significance (1 of 4 stars; one submission).

gnomAD v4.1: 2 of 1,614,100 alleles (0.00012%); highest among the groups gnomAD compares: East Asian, 0.0045%; no homozygotes.

Submission:

Athena Diagnostics
Classification: Uncertain significance. Last evaluated: 2023-11-07. Review status: criteria provided, single submitter. Criteria: Athena Diagnostics Criteria. Collection method: clinical testing. Allele origin: unknown.
Comment: Available data are insufficient to determine the clinical significance of the variant at this time. The frequency of this variant in the general population is uninformative in assessment of its pathogenicity. Computational tools predict that this variant is not damaging.

NM_015046.7(SETX):c.5590C>G (p.Gln1864Glu)

Gene: SETX (senataxin; minus strand). Cytogenetic location: 9q34.13.
Variant type: single nucleotide variant.
Coding change: c.5590C>G on transcript NM_015046.7 (MANE Select); coding-DNA position 5590, C replaced by G.
Protein change: p.Gln1864Glu; replaces glutamine 1864 with glutamic acid.
Molecular consequence: missense variant.
Genome position (GRCh38, 1-based): chr9:132,298,271, G>C on the plus strand (C>G on the coding strand, the complement: SETX is on the minus strand). VCF-style: chr9-132298271-G-C. GRCh37 (hg19) VCF-style: chr9-135173658-G-C.
Other names: c.5590C>G, p.Gln1864Glu (NM_001351527.2, NM_001351528.2); short protein forms Q1864E.
Identifiers: ClinVar variation 3571896 (VCV003571896.1).